The following is an entry in ClinVar:

NM_001318510.2(ACSL4):c.34G>A (p.Asp12Asn)

Gene: ACSL4 (acyl-CoA synthetase long chain family member 4; minus strand). Cytogenetic location: Xq23.
Variant type: single nucleotide variant.
Coding change: c.34G>A on transcript NM_001318510.2 (MANE Select); coding-DNA position 34, G replaced by A.
Protein change: p.Asp12Asn; replaces aspartic acid 12 with asparagine.
Molecular consequence: missense variant.
Genome position (GRCh38, 1-based): chrX:109,683,330, C>T on the plus strand (G>A on the coding strand, the complement: ACSL4 is on the minus strand). VCF-style: chrX-109683330-C-T. GRCh37 (hg19) VCF-style: chrX-108926559-C-T.
Other names: c.157G>A, p.Asp53Asn (NM_001318509.2, NM_001437245.1, NM_001437247.1 and 2 more transcripts); c.34G>A, p.Asp12Asn (NM_001437250.1, NM_001437251.1, NM_001437252.1 and 2 more transcripts); short protein forms D12N, D53N.
Identifiers: ClinVar variation 5009237 (VCV005009237.1).

ClinVar aggregate classification (germline): Uncertain significance (1 of 4 stars; one submission).

gnomAD v4.1: 1 of 1,211,733 alleles (0.000083%); highest among the groups gnomAD compares: Non-Finnish European, 0.00011%; no homozygotes.

Submission:

GeneDx
Classification: Uncertain significance. Last evaluated: 2026-03-15. Review status: criteria provided, single submitter. Criteria: GeneDx Variant Classification Process June 2021. Collection method: clinical testing. Allele origin: germline.
Comment: Not observed at significant frequency in large population cohorts (gnomAD); In silico analysis suggests that this missense variant does not alter protein structure/function; Has not been previously published as pathogenic or benign to our knowledge